The following is an entry in ClinVar:

NM_015272.5(RPGRIP1L):c.2665C>A (p.His889Asn)

Gene: RPGRIP1L (RPGRIP1 like; minus strand). Cytogenetic location: 16q12.2.
Variant type: single nucleotide variant.
Coding change: c.2665C>A on transcript NM_015272.5 (MANE Select); coding-DNA position 2665, C replaced by A.
Protein change: p.His889Asn; replaces histidine 889 with asparagine.
Molecular consequence: missense variant.
Genome position (GRCh38, 1-based): chr16:53,645,643, G>T on the plus strand (C>A on the coding strand, the complement: RPGRIP1L is on the minus strand). VCF-style: chr16-53645643-G-T. GRCh37 (hg19) VCF-style: chr16-53679555-G-T.
Other names: c.2665C>A, p.His889Asn (NM_001127897.4, NM_001308334.3, NM_001330538.2); short protein forms H889N.
Identifiers: ClinVar variation 3351478 (VCV003351478.2).

ClinVar aggregate classification (germline): Uncertain significance (1 of 4 stars; one submission).

Conditions:
RPGRIP1L-related disorder. Also called: RPGRIP1L-related disorders; RPGRIP1L-related condition. Identifiers: MedGen CN239416.

gnomAD v4.1: 4 of 1,613,682 alleles (0.00025%); highest among the groups gnomAD compares: African/African-American, 0.0053%; no homozygotes.

Submission:

PreventionGenetics, part of Exact Sciences
Classification: Uncertain significance for RPGRIP1L-related condition. Last evaluated: 2025-09-08. Review status: criteria provided, single submitter. Criteria: ACMG Guidelines, 2015. Collection method: clinical testing. Allele origin: germline.
Comment: The RPGRIP1L c.2665C>A variant is predicted to result in the amino acid substitution p.His889Asn. To our knowledge, this variant has not been reported in the literature. This variant is reported in 0.019% of alleles in individuals of African descent in gnomAD. At this time, the clinical significance of this variant is uncertain due to the absence of conclusive functional and genetic evidence.